The following is an entry in ClinVar:

ClinVar aggregate classification (germline): Conflicting classifications of pathogenicity. Review status: criteria provided, conflicting classifications (1 of 4 stars). 2 submissions from 2 submitters: Likely pathogenic (1); Uncertain significance (1). Last evaluated 2018-04-30.

Conditions:
Familial thoracic aortic aneurysm and aortic dissection (TAAD). Also called: Thoracic aortic aneurysms and dissections. Identifiers: Orphanet 91387, MedGen C4707243, MONDO:0019625.
Marfan syndrome (MFS). Also called: FBN1-Related Marfan Syndrome; Marfan syndrome type 1; Marfan's syndrome; Marfan syndrome, classic; MARFAN SYNDROME, TYPE I. Identifiers: Orphanet 284963, Orphanet 558, MedGen C0024796, MONDO:0007947, OMIM 154700.

Allele frequency attached by ClinVar (database versions not stated): gnomAD exomes below 0.00001.
gnomAD v4.1: 1 of 1,613,978 alleles (0.000062%); no homozygotes.

Submissions (2):

Ambry Genetics
Classification: Likely pathogenic for Familial thoracic aortic aneurysm and aortic dissection. Last evaluated: 2018-04-30. Review status: criteria provided, single submitter. Criteria: Ambry Variant Classification Scheme 2023. Collection method: clinical testing. Allele origin: germline.
Comment: The p.Y2588C variant (also known as c.7763A>G), located in coding exon 62 of the FBN1 gene, results from an A to G substitution at nucleotide position 7763. The tyrosine at codon 2588 is replaced by cysteine, an amino acid with highly dissimilar properties, and is located in the cbEGF-like #41 domain. The majority of FBN1 mutations identified to date have involved the substitution or generation of cysteine residues within cbEGF domains (Vollbrandt T et al. J Biol Chem. 2004;279(31):32924-32931). This amino acid position is highly conserved in available vertebrate species. In addition, this alteration is predicted to be deleterious by in silico analysis. Furthermore, based on internal structural assessment, this alteration disrupts proper disulfide-mediated folding of cbEGF domain 41 (Jensen SA et al. Structure, 2009 May;17:759-68). Based on the majority of available evidence to date, this variant is likely to be pathogenic.

Labcorp Genetics (formerly Invitae), Labcorp
Classification: Uncertain significance for Marfan syndrome; Familial thoracic aortic aneurysm and aortic dissection. Last evaluated: 2018-01-29. Review status: criteria provided, single submitter. Criteria: Invitae Variant Classification Sherloc (09022015). Collection method: clinical testing. Allele origin: germline.
Comment: This sequence change replaces tyrosine with cysteine at codon 2588 of the FBN1 protein (p.Tyr2588Cys). The tyrosine residue is highly conserved and there is a large physicochemical difference between tyrosine and cysteine. This variant is not present in population databases (ExAC no frequency). This variant has not been reported in the literature in individuals with FBN1-related disease. Algorithms developed to predict the effect of missense changes on protein structure and function do not agree on the potential impact of this missense change (SIFT: "Deleterious"; PolyPhen-2: "Probably Damaging"; Align-GVGD: "Class C0"). In summary, the available evidence is currently insufficient to determine the role of this variant in disease. Therefore, it has been classified as a Variant of Uncertain Significance. This variant generates a cysteine residue in an epidermal-growth-factor (EGF)–like domain of the FBN1 protein. Cysteine residues in these domains have been shown to be involved in the formation of disulfide bridges, which are critical for FBN1 protein structure and stability (PMID: 4750422, 16677079). Cysteine creating variants in these domains have been shown to affect protein stability and are overrepresented among individuals with Marfan syndrome (PMID: 15161917, 16571647, 17701892).

Literature cited by the submitters: PubMed 19446531 (cited by Ambry Genetics); PubMed 4750422 (cited by Labcorp Genetics (formerly Invitae), Labcorp); PubMed 16677079 (cited by Labcorp Genetics (formerly Invitae), Labcorp); PubMed 15161917 (cited by Labcorp Genetics (formerly Invitae), Labcorp); PubMed 16571647 (cited by Labcorp Genetics (formerly Invitae), Labcorp); PubMed 17701892 (cited by Labcorp Genetics (formerly Invitae), Labcorp).

NM_000138.5(FBN1):c.7763A>G (p.Tyr2588Cys)

Gene: FBN1 (fibrillin 1; minus strand). Cytogenetic location: 15q21.1.
Variant type: single nucleotide variant.
Coding change: c.7763A>G on transcript NM_000138.5 (MANE Select); coding-DNA position 7763, A replaced by G.
Protein change: p.Tyr2588Cys; replaces tyrosine 2588 with cysteine.
Molecular consequence: missense variant.
Genome position (GRCh38, 1-based): chr15:48,420,743, T>C on the plus strand (A>G on the coding strand, the complement: FBN1 is on the minus strand). VCF-style: chr15-48420743-T-C. GRCh37 (hg19) VCF-style: chr15-48712940-T-C.
Other names: short protein forms Y2588C.
Identifiers: ClinVar variation 571222 (VCV000571222.10), dbSNP rs1566891436, ClinGen allele CA392324665.